The following is an entry in ClinVar:

ClinVar aggregate classification (germline): Conflicting classifications of pathogenicity. Review status: criteria provided, conflicting classifications (1 of 4 stars). 2 submissions from 2 submitters: Uncertain significance (1); Likely benign (1). Last evaluated 2025-02-06.

Conditions:
Familial thoracic aortic aneurysm and aortic dissection (TAAD). Also called: Thoracic aortic aneurysms and dissections. Identifiers: Orphanet 91387, MedGen C4707243, MONDO:0019625.

Allele frequency attached by ClinVar (database versions not stated): gnomAD exomes below 0.00001 and 0.00001.
gnomAD v4.1: 9 of 1,605,414 alleles (0.00056%); highest among the groups gnomAD compares: Non-Finnish European, 0.00068%; no homozygotes.

Submissions (2):

Labcorp Genetics (formerly Invitae), Labcorp
Classification: Uncertain significance for Familial thoracic aortic aneurysm and aortic dissection. Last evaluated: 2025-02-06. Review status: criteria provided, single submitter. Criteria: Invitae Variant Classification Sherloc (09022015). Collection method: clinical testing. Allele origin: germline.
Comment: This sequence change replaces proline, which is neutral and non-polar, with leucine, which is neutral and non-polar, at codon 367 of the TGFBR2 protein (p.Pro367Leu). This variant is present in population databases (no rsID available, gnomAD 0.0009%). This variant has not been reported in the literature in individuals affected with TGFBR2-related conditions. ClinVar contains an entry for this variant (Variation ID: 1470000). Invitae Evidence Modeling of protein sequence and biophysical properties (such as structural, functional, and spatial information, amino acid conservation, physicochemical variation, residue mobility, and thermodynamic stability) indicates that this missense variant is not expected to disrupt TGFBR2 protein function with a negative predictive value of 95%. In summary, the available evidence is currently insufficient to determine the role of this variant in disease. Therefore, it has been classified as a Variant of Uncertain Significance.

Ambry Genetics
Classification: Likely benign for Familial thoracic aortic aneurysm and aortic dissection. Last evaluated: 2023-10-19. Review status: criteria provided, single submitter. Criteria: Ambry Variant Classification Scheme 2023. Collection method: clinical testing. Allele origin: germline.

NM_003242.6(TGFBR2):c.1100C>T (p.Pro367Leu)

Gene: TGFBR2 (transforming growth factor beta receptor 2; plus strand). Cytogenetic location: 3p24.1.
Variant type: single nucleotide variant.
Coding change: c.1100C>T on transcript NM_003242.6 (MANE Select); coding-DNA position 1100, C replaced by T.
Protein change: p.Pro367Leu; replaces proline 367 with leucine.
Molecular consequence: missense variant.
Genome position (GRCh38, 1-based): chr3:30,672,283, C>T. VCF-style: chr3-30672283-C-T. GRCh37 (hg19) VCF-style: chr3-30713775-C-T.
Other names: c.1175C>T, p.Pro392Leu (NM_001024847.3); c.1283C>T, p.Pro428Leu (NM_001407126.1); c.1208C>T, p.Pro403Leu (NM_001407127.1); c.1127C>T, p.Pro376Leu (NM_001407128.1); c.1103C>T, p.Pro368Leu (NM_001407129.1); c.1100C>T, p.Pro367Leu (NM_001407130.1); c.995C>T, p.Pro332Leu (NM_001407132.1, NM_001407133.1, NM_001407134.1 and 2 more transcripts); c.815C>T, p.Pro272Leu (NM_001407137.1); and 2 more; short protein forms P367L, P392L, P332L, P376L, P428L, P272L, P368L, P403L.
Identifiers: ClinVar variation 1470000 (VCV001470000.8), dbSNP rs1226482581, ClinGen allele CA351808539.